The following is an entry in ClinVar:

NM_001291303.3(FAT4):c.3473C>T (p.Thr1158Ile)

Gene: FAT4 (FAT atypical cadherin 4; plus strand). Cytogenetic location: 4q28.1.
Variant type: single nucleotide variant.
Coding change: c.3473C>T on transcript NM_001291303.3 (MANE Select); coding-DNA position 3473, C replaced by T.
Protein change: p.Thr1158Ile; replaces threonine 1158 with isoleucine.
Molecular consequence: missense variant.
Genome position (GRCh38, 1-based): chr4:125,319,884, C>T. VCF-style: chr4-125319884-C-T. GRCh37 (hg19) VCF-style: chr4-126241039-C-T.
Other names: c.3473C>T, p.Thr1158Ile (NM_001291285.3, NM_024582.6); c.3473C>T (NM_024582.5); short protein forms T1158I.
Identifiers: ClinVar variation 1973972 (VCV001973972.6), dbSNP rs1730854532, ClinGen allele CA358124063.

ClinVar aggregate classification (germline): Uncertain significance. Review status: criteria provided, multiple submitters, no conflicts (2 of 4 stars). 2 submissions from 2 submitters: Uncertain significance (2). Last evaluated 2024-02-03.

Conditions:
Van Maldergem syndrome 2 (VMLDS2). Identifiers: Orphanet 314679, MedGen C3809875, MONDO:0014242, OMIM 615546.
Hennekam lymphangiectasia-lymphedema syndrome 2 (HKLLS2). Identifiers: Orphanet 2136, MedGen C4014939, MONDO:0014454, OMIM 616006.

Allele frequency attached by ClinVar (database versions not stated): TOPMed 0.00001.

Submissions (2):

Fulgent Genetics
Classification: Uncertain significance for Van Maldergem syndrome 2; Hennekam lymphangiectasia-lymphedema syndrome 2. Last evaluated: 2024-02-03. Review status: criteria provided, single submitter. Criteria: ACMG Guidelines, 2015. Collection method: clinical testing. Allele origin: germline.

Labcorp Genetics (formerly Invitae), Labcorp
Classification: Uncertain significance. Last evaluated: 2022-08-12. Review status: criteria provided, single submitter. Criteria: Invitae Variant Classification Sherloc (09022015). Collection method: clinical testing. Allele origin: germline.
Comment: This sequence change replaces threonine, which is neutral and polar, with isoleucine, which is neutral and non-polar, at codon 1158 of the FAT4 protein (p.Thr1158Ile). Advanced modeling of protein sequence and biophysical properties (such as structural, functional, and spatial information, amino acid conservation, physicochemical variation, residue mobility, and thermodynamic stability) performed at Invitae indicates that this missense variant is not expected to disrupt FAT4 protein function. In summary, the available evidence is currently insufficient to determine the role of this variant in disease. Therefore, it has been classified as a Variant of Uncertain Significance. This variant is not present in population databases (gnomAD no frequency). This variant has not been reported in the literature in individuals affected with FAT4-related conditions.